The following is an entry in ClinVar:

NM_018006.5(TRMU):c.162_163del (p.Cys54_Glu55delinsTer)

Gene: TRMU (tRNA mitochondrial 2-thiouridylase; plus strand). Cytogenetic location: 22q13.31.
Variant type: Microsatellite.
Coding change: c.162_163del on transcript NM_018006.5 (MANE Select); coding-DNA positions 162 to 163, 2 bases deleted (TG; older notation c.162_163delTG).
Protein change: p.Cys54_Glu55delinsTer.
Molecular consequence: nonsense. On other transcripts: frameshift variant (2), 5 prime UTR variant (3), non-coding transcript variant (2).
Genome position (GRCh38, 1-based): chr22:46,337,858-46,337,859, TG deleted; deleting any 2 consecutive bases within chr22:46,337,856-46,337,859 gives the same sequence; the c. name uses the placement nearest the transcript's 3' end. VCF-style (leftmost placement, unchanged base first): chr22-46337855-CTG-C. GRCh37 (hg19) VCF-style: chr22-46733752-CTG-C.
Other names: c.160_161TG[1], p.Cys54Terfs (NM_001008568.2, NM_001008570.2); c.-76TG[1] (NM_001282782.2); c.-95TG[1] (NM_001282783.2, NM_001282784.2); c.162_163del, p.Cys54_Glu55delinsTer (NM_001282785.2).
Identifiers: ClinVar variation 1967642 (VCV001967642.5), dbSNP rs1441183063, ClinGen allele CA753693190.

ClinVar aggregate classification (germline): Pathogenic (1 of 4 stars; one submission).

Submission:

Labcorp Genetics (formerly Invitae), Labcorp
Classification: Pathogenic. Last evaluated: 2023-08-21. Review status: criteria provided, single submitter. Criteria: Invitae Variant Classification Sherloc (09022015). Collection method: clinical testing. Allele origin: germline.
Comment: This sequence change creates a premature translational stop signal (p.Cys54*) in the TRMU gene. It is expected to result in an absent or disrupted protein product. Loss-of-function variants in TRMU are known to be pathogenic (PMID: 19732863, 23625533). This variant is not present in population databases (gnomAD no frequency). For these reasons, this variant has been classified as Pathogenic. This variant is also known as c.160_161delTG. This premature translational stop signal has been observed in individual(s) with Leigh syndrome (PMID: 33365252).

Literature cited by the submitters: PubMed 19732863; PubMed 23625533; PubMed 33365252.